The following is an entry in ClinVar:

NM_014363.6(SACS):c.6781C>A (p.Leu2261Ile)

Gene: SACS (sacsin molecular chaperone; minus strand). Cytogenetic location: 13q12.12.
Variant type: single nucleotide variant.
Coding change: c.6781C>A on transcript NM_014363.6 (MANE Select); coding-DNA position 6781, C replaced by A.
Protein change: p.Leu2261Ile; replaces leucine 2261 with isoleucine.
Molecular consequence: missense variant.
Genome position (GRCh38, 1-based): chr13:23,337,095, G>T on the plus strand (C>A on the coding strand, the complement: SACS is on the minus strand). VCF-style: chr13-23337095-G-T. GRCh37 (hg19) VCF-style: chr13-23911234-G-T.
Other names: c.6340C>A, p.Leu2114Ile (NM_001278055.2); short protein forms L2261I, L2114I.
Identifiers: ClinVar variation 240901 (VCV000240901.52), dbSNP rs146722795, ClinGen allele CA6911032.

ClinVar aggregate classification (germline): Conflicting classifications of pathogenicity. Review status: criteria provided, conflicting classifications (1 of 4 stars). 14 submissions from 14 submitters: Uncertain significance (1); Benign (6); Likely benign (4). 3 of the submissions do not count toward it. Last evaluated 2026-08-01.

Conditions:
SACS-related disorder. Also called: SACS-related condition.
Spastic paraplegia. Identifiers: MedGen C0037772, HP:0001258.
Hereditary spastic paraplegia. Also called: Familial spastic paraparesis. Identifiers: Orphanet 685, MedGen C0037773, MONDO:0019064. Disease mechanism: loss of function.
Charlevoix-Saguenay spastic ataxia (SACS). Also called: AUTOSOMAL RECESSIVE SPASTIC ATAXIA OF CHARLEVOIX-SAGUENAY; SPASTIC ATAXIA 6, AUTOSOMAL RECESSIVE; Spastic ataxia of Charlevoix-Saguenay. Identifiers: Orphanet 98, MedGen C1849140, MONDO:0010041, OMIM 270550.

Allele frequency attached by ClinVar (database versions not stated): 1000 Genomes Project 0.00220; 1000 Genomes Project 30x 0.00234; TOPMed 0.00296; ESP Exome Variant Server 0.00369; gnomAD 0.00465 and 0.00506; gnomAD exomes 0.00477 and 0.00545; ExAC 0.00483.
gnomAD v4.1: 8,563 of 1,613,958 alleles (0.53%); highest among the groups gnomAD compares: Non-Finnish European, 0.58%; 28 homozygotes.

Submissions (14):

CeGaT Center for Human Genetics Tuebingen
Classification: Benign. Last evaluated: 2026-08-01. Review status: criteria provided, single submitter. Criteria: CeGaT Center For Human Genetics Tuebingen Variant Classification Criteria Version 2. Collection method: clinical testing. Allele origin: germline. Affected: yes. Observed: 17 variant alleles.
Comment: SACS: BS1, BS2

Labcorp Genetics (formerly Invitae), Labcorp
Classification: Benign for Spastic paraplegia. Last evaluated: 2026-01-28. Review status: criteria provided, single submitter. Criteria: Invitae Variant Classification Sherloc (09022015). Collection method: clinical testing. Allele origin: germline.

Blueprint Genetics
Classification: Likely benign. Last evaluated: 2024-11-20. Review status: criteria provided, single submitter. Criteria: ACMG Guidelines, 2015. Collection method: clinical testing. Allele origin: germline.

Mayo Clinic Laboratories, Mayo Clinic
Classification: Benign. Last evaluated: 2021-09-30. Review status: criteria provided, single submitter. Criteria: ACMG Guidelines, 2015. Collection method: clinical testing. Allele origin: germline. Observed: 31 variant alleles.

Genome-Nilou Lab
Classification: Benign for Charlevoix-Saguenay spastic ataxia. Last evaluated: 2021-09-05. Review status: criteria provided, single submitter. Criteria: ACMG Guidelines, 2015. Collection method: clinical testing. Allele origin: germline. Affected: no.

GeneDx
Classification: Likely benign. Last evaluated: 2020-05-21. Review status: criteria provided, single submitter. Criteria: GeneDx Variant Classification Process June 2021. Collection method: clinical testing. Allele origin: germline. Affected: yes.
Comment: This variant is associated with the following publications: (PMID: 23280630, 19779133, 24457356, 28251916, 25497598)

Genome Diagnostics Laboratory, The Hospital for Sick Children
Classification: Likely benign for Hereditary spastic paraplegia. Last evaluated: 2019-02-01. Review status: criteria provided, single submitter. Criteria: ACMG Guidelines, 2015. Collection method: clinical testing. Allele origin: germline. Affected: yes.

Athena Diagnostics
Classification: Benign. Last evaluated: 2018-12-26. Review status: criteria provided, single submitter. Criteria: Athena Diagnostics Criteria. Collection method: clinical testing. Allele origin: germline.

Illumina Laboratory Services, Illumina
Classification: Uncertain significance for Charlevoix-Saguenay spastic ataxia. Last evaluated: 2018-01-13. Review status: criteria provided, single submitter. Criteria: ICSL Variant Classification Criteria 13 December 2019. Collection method: clinical testing. Allele origin: germline.

Clinical Genetics DNA and cytogenetics Diagnostics Lab, Erasmus MC, Erasmus Medical Center
Classification: Benign for Charlevoix-Saguenay spastic ataxia. Last evaluated: 2017-05-31. Review status: criteria provided, single submitter. Criteria: ACGS Guidelines, 2013. Collection method: clinical testing. Allele origin: germline. Affected: yes. Study: VKGL Data-share Consensus.

Genome Diagnostics Laboratory, University Medical Center Utrecht
Classification: Likely benign for Charlevoix-Saguenay spastic ataxia. Last evaluated: 2014-10-09. Review status: criteria provided, single submitter. Criteria: ACGS Guidelines, 2013. Collection method: clinical testing. Allele origin: germline. Affected: yes. Study: VKGL Data-share Consensus.

Natera, Inc.
Classification: Likely benign for Charlevoix-Saguenay type spastic ataxia. Last evaluated: 2020-01-04. Review status: no assertion criteria provided. Collection method: clinical testing. Allele origin: germline. Not counted in ClinVar's aggregate classification.

PreventionGenetics, part of Exact Sciences
Classification: Likely benign for SACS-related condition. Last evaluated: 2019-07-08. Review status: no assertion criteria provided. Collection method: clinical testing. Allele origin: germline. Not counted in ClinVar's aggregate classification.
Comment: This variant is classified as likely benign based on ACMG/AMP sequence variant interpretation guidelines (Richards et al. 2015 PMID: 25741868, with internal and published modifications).

Department of Pathology and Laboratory Medicine, Sinai Health System
Classification: Uncertain significance for Charlevoix-Saguenay spastic ataxia. Review status: no assertion criteria provided. Collection method: clinical testing. Allele origin: unknown. Affected: yes. Study: The Canadian Open Genetics Repository (COGR). Not counted in ClinVar's aggregate classification.
Comment: The p.Leu2261Ile variant was also identified in compound heterozygous form (with p.Ser527*) in two affected siblings with disease onset in their 40s; the variants were reported as confirmed pathogenic. Both siblings were affected by gait disturbance and cerebellar ataxia. The variant was identified in dbSNP (rs146722795) and ClinVar (Conflicting interpretations of pathogenicity. Uncertain significance [1], benign [2], likely benign [2]. Classified as Uncertain significance for ARSACS in 2016 by Ilumina, likely benign in 2014 by Genome Diagnostics Centre and University Medical Centre Utrecht for ARSACS, Benign for spastic paraplegia in 2017 by Erasmus Medical Centre, Benign in 2017 by Invitae, and Likely benign in 2017 by Athena Diagnostics) databases. The variant was identified in control databases in 1397 of 282308 chromosomes (8 homozygous) at a frequency of 0.004948 increasing the likelihood this could be a low frequency benign variant (Genome Aggregation Database March 6, 2019, v2.1.1). The variant was observed in the following populations: European (Finnish) in 542 of 25098 chromosomes (freq: 0.0216), European (non-Finnish) in 792 of 128852 chromosomes (freq: 0.006147), Other in 27 of 7194 chromosomes (freq: 0.003753), African in 26 of 24834 chromosomes (freq: 0.001047), Latino in 10 of 35420 chromosomes (freq: 0.000282), but was not observed in the Ashkenazi Jewish, East Asian, and South Asian populations. The p.Leu266 residue is conserved in mammals and other organisms; computational analyses (MUT Assessor, SIFT, Polyphen 2, MT, FATHMM, DANN, MetaLR, Revel) predict a deleterious impact to the protein. In summary, based on the above information the clinical significance of this variant cannot be determined with certainty at this time. This variant is classified as a variant of uncertain significance.

Literature cited by the submitters: PubMed 28251916 (cited by Athena Diagnostics); PubMed 25497598 (cited by Athena Diagnostics); PubMed 24457356 (cited by Athena Diagnostics); PubMed 19779133 (cited by Athena Diagnostics).